The following is an entry in ClinVar:

ClinVar aggregate classification (germline): Uncertain significance. Review status: criteria provided, multiple submitters, no conflicts (2 of 4 stars). 2 submissions from 2 submitters: Uncertain significance (2). Last evaluated 2024-12-12.

Conditions:
Inborn genetic diseases. Identifiers: MedGen C0950123, MeSH D030342.

Allele frequency attached by ClinVar (database versions not stated): gnomAD exomes below 0.00001; TOPMed below 0.00001; gnomAD 0.00001.
gnomAD v4.1: 5 of 1,553,626 alleles (0.00032%); highest among the groups gnomAD compares: Admixed American, 0.0019%; no homozygotes.

Submissions (2):

Ambry Genetics
Classification: Uncertain significance for Inborn genetic diseases. Last evaluated: 2024-12-12. Review status: criteria provided, single submitter. Criteria: Ambry Variant Classification Scheme 2023. Collection method: clinical testing. Allele origin: germline.

Labcorp Genetics (formerly Invitae), Labcorp
Classification: Uncertain significance. Last evaluated: 2021-10-30. Review status: criteria provided, single submitter. Criteria: Invitae Variant Classification Sherloc (09022015). Collection method: clinical testing. Allele origin: germline.
Comment: This variant is not present in population databases (gnomAD no frequency). This sequence change replaces tyrosine, which is neutral and polar, with cysteine, which is neutral and slightly polar, at codon 1260 of the MYO18B protein (p.Tyr1260Cys). This variant has not been reported in the literature in individuals affected with MYO18B-related conditions. In summary, the available evidence is currently insufficient to determine the role of this variant in disease. Therefore, it has been classified as a Variant of Uncertain Significance. Algorithms developed to predict the effect of missense changes on protein structure and function are either unavailable or do not agree on the potential impact of this missense change (SIFT: "Not Available"; PolyPhen-2: "Probably Damaging"; Align-GVGD: "Not Available").

NM_032608.7(MYO18B):c.3779A>G (p.Tyr1260Cys)

Gene: MYO18B (myosin XVIIIB; plus strand). Cytogenetic location: 22q12.1.
Variant type: single nucleotide variant.
Coding change: c.3779A>G on transcript NM_032608.7 (MANE Select); coding-DNA position 3779, A replaced by G.
Protein change: p.Tyr1260Cys; replaces tyrosine 1260 with cysteine.
Molecular consequence: missense variant.
Genome position (GRCh38, 1-based): chr22:25,851,473, A>G. VCF-style: chr22-25851473-A-G. GRCh37 (hg19) VCF-style: chr22-26247440-A-G.
Other names: c.3782A>G, p.Tyr1261Cys (NM_001318245.2); c.3779A>G (NM_032608.5); short protein forms Y1260C, Y1261C.
Identifiers: ClinVar variation 1419988 (VCV001419988.5), dbSNP rs1242804803, ClinGen allele CA411002567.
Genomic context (GRCh38, chr22:25,851,473, plus strand): 5'-GCTGGGTCTTCTCATCTGGACTCTGTGCTCTTCTCCTGCCTGCTCCTACCTCCCTAGGCT[A>G]TGCTGACCACATGGGGCTCACTCGCTTCCGCCGGCAATTCCAGGTGCTGGACGCTCCACT-3'
Protein context (NP_115997.5, residues 1250-1270): LEALRLHRTG[Tyr1260Cys]ADHMGLTRFR